The following is an entry in ClinVar:

ClinVar aggregate classification (germline): Uncertain significance (1 of 4 stars; one submission).

Conditions:
Norman-Roberts syndrome (LIS2). Also called: Lissencephaly 2 (Norman-Roberts type). Identifiers: Orphanet 89844, MedGen C0796089, MONDO:0009760, OMIM 257320.
Familial temporal lobe epilepsy 7. Identifiers: Orphanet 101046, MedGen C4225327, MONDO:0014639, OMIM 616436.

Submission:

Labcorp Genetics (formerly Invitae), Labcorp
Classification: Uncertain significance for Familial temporal lobe epilepsy 7; Norman-Roberts syndrome. Last evaluated: 2022-05-25. Review status: criteria provided, single submitter. Criteria: Invitae Variant Classification Sherloc (09022015). Collection method: clinical testing. Allele origin: germline.
Comment: In summary, the available evidence is currently insufficient to determine the role of this variant in disease. Therefore, it has been classified as a Variant of Uncertain Significance. Algorithms developed to predict the effect of missense changes on protein structure and function are either unavailable or do not agree on the potential impact of this missense change (SIFT: "Deleterious"; PolyPhen-2: "Probably Damaging"; Align-GVGD: "Class C0"). This variant has not been reported in the literature in individuals affected with RELN-related conditions. This variant is not present in population databases (gnomAD no frequency). This sequence change replaces aspartic acid, which is acidic and polar, with asparagine, which is neutral and polar, at codon 1593 of the RELN protein (p.Asp1593Asn).

NM_005045.4(RELN):c.4777G>A (p.Asp1593Asn)

Gene: RELN (reelin; minus strand). Cytogenetic location: 7q22.1.
Variant type: single nucleotide variant.
Coding change: c.4777G>A on transcript NM_005045.4 (MANE Select); coding-DNA position 4777, G replaced by A.
Protein change: p.Asp1593Asn; replaces aspartic acid 1593 with asparagine.
Molecular consequence: missense variant.
Genome position (GRCh38, 1-based): chr7:103,566,383, C>T on the plus strand (G>A on the coding strand, the complement: RELN is on the minus strand). VCF-style: chr7-103566383-C-T. GRCh37 (hg19) VCF-style: chr7-103206830-C-T.
Other names: c.4777G>A, p.Asp1593Asn (NM_173054.3); short protein forms D1593N.
Identifiers: ClinVar variation 1957927 (VCV001957927.5), dbSNP rs2484743461, ClinGen allele CA368748253.